The following is an entry in ClinVar:

NM_000065.5(C6):c.1628_1629dup (p.Gln544fs)

Gene: C6 (complement C6; minus strand). Cytogenetic location: 5p13.1.
Variant type: Microsatellite.
Coding change: c.1628_1629dup on transcript NM_000065.5 (MANE Select); coding-DNA positions 1628 to 1629, 2 bases duplicated (GT; older notation c.1628_1629dupGT).
Protein change: p.Gln544fs; shifts the reading frame from glutamine 544.
Molecular consequence: frameshift variant.
Genome position (GRCh38, 1-based): chr5:41,160,197-41,160,198, AC duplicated on the plus strand (GT on the coding strand, the reverse complement: C6 is on the minus strand); duplicating any 2 consecutive bases within chr5:41,160,197-41,160,207 gives the same sequence; the c. name uses the placement nearest the transcript's 3' end. VCF-style (leftmost placement, unchanged base first): chr5-41160196-G-GAC. GRCh37 (hg19) VCF-style: chr5-41160298-G-GAC.
Other names: c.1628_1629dup, p.Gln544fs (NM_001115131.4); short protein forms Q544fs.
Identifiers: ClinVar variation 2671945 (VCV002671945.3), dbSNP rs894782145, ClinGen allele CA117761975.

ClinVar aggregate classification (germline): Pathogenic/Likely pathogenic. Review status: criteria provided, multiple submitters, no conflicts (2 of 4 stars). 2 submissions from 2 submitters: Pathogenic (1); Likely pathogenic (1). Last evaluated 2024-04-17.

Conditions:
Complement component 6 deficiency (C6D). Also called: C6 DEFICIENCY. Identifiers: MedGen C2676232, MONDO:0012908, OMIM 612446.

Submissions (2):

Labcorp Genetics (formerly Invitae), Labcorp
Classification: Pathogenic. Last evaluated: 2024-04-17. Review status: criteria provided, single submitter. Criteria: Invitae Variant Classification Sherloc (09022015). Collection method: clinical testing. Allele origin: germline.
Comment: This sequence change creates a premature translational stop signal (p.Gln544Valfs*22) in the C6 gene. It is expected to result in an absent or disrupted protein product. Loss-of-function variants in C6 are known to be pathogenic (PMID: 17257682). This variant is present in population databases (no rsID available, gnomAD 0.006%). This variant has not been reported in the literature in individuals affected with C6-related conditions. For these reasons, this variant has been classified as Pathogenic.

Baylor Genetics
Classification: Likely pathogenic for Complement component 6 deficiency. Last evaluated: 2023-10-26. Review status: criteria provided, single submitter. Criteria: ACMG Guidelines, 2015. Collection method: clinical testing. Allele origin: unknown.

Literature cited by the submitters: PubMed 17257682 (cited by Labcorp Genetics (formerly Invitae), Labcorp).